The following is an entry in ClinVar:

NM_015665.6(AAAS):c.252-2A>G

Gene: AAAS (aladin WD repeat nucleoporin; minus strand). Cytogenetic location: 12q13.13.
Variant type: single nucleotide variant.
Coding change: c.252-2A>G on transcript NM_015665.6 (MANE Select); the canonical splice acceptor site of the intron before coding-DNA position 252, A replaced by G.
Molecular consequence: splice acceptor variant.
Genome position (GRCh38, 1-based): chr12:53,315,784, T>C on the plus strand (A>G on the coding strand, the complement: AAAS is on the minus strand). VCF-style: chr12-53315784-T-C. GRCh37 (hg19) VCF-style: chr12-53709568-T-C.
Other names: c.252-2A>G (NM_001173466.2).
Identifiers: ClinVar variation 2711541 (VCV002711541.3), dbSNP rs1056645432, ClinGen allele CA385044596.

ClinVar aggregate classification (germline): Likely pathogenic (1 of 4 stars; one submission).

Submission:

Labcorp Genetics (formerly Invitae), Labcorp
Classification: Likely pathogenic. Last evaluated: 2024-01-25. Review status: criteria provided, single submitter. Criteria: Invitae Variant Classification Sherloc (09022015). Collection method: clinical testing. Allele origin: germline.
Comment: This sequence change affects an acceptor splice site in intron 2 of the AAAS gene. It is expected to disrupt RNA splicing. Variants that disrupt the donor or acceptor splice site typically lead to a loss of protein function (PMID: 16199547), and loss-of-function variants in AAAS are known to be pathogenic (PMID: 11159947). This variant is not present in population databases (gnomAD no frequency). This variant has not been reported in the literature in individuals affected with AAAS-related conditions. Algorithms developed to predict the effect of sequence changes on RNA splicing suggest that this variant may disrupt the consensus splice site. In summary, the currently available evidence indicates that the variant is pathogenic, but additional data are needed to prove that conclusively. Therefore, this variant has been classified as Likely Pathogenic.

Literature cited by the submitters: PubMed 16199547; PubMed 11159947.